The following is an entry in ClinVar:

NM_032380.5(GFM2):c.2211+1G>A

Gene: GFM2 (GTP dependent ribosome recycling factor mitochondrial 2; minus strand). Cytogenetic location: 5q13.3.
Variant type: single nucleotide variant.
Coding change: c.2211+1G>A on transcript NM_032380.5 (MANE Select); the canonical splice donor site of the intron after coding-DNA position 2211, G replaced by A.
Molecular consequence: splice donor variant.
Genome position (GRCh38, 1-based): chr5:74,722,378, C>T on the plus strand (G>A on the coding strand, the complement: GFM2 is on the minus strand). VCF-style: chr5-74722378-C-T. GRCh37 (hg19) VCF-style: chr5-74018203-C-T.
Other names: c.2070+1G>A (NM_170691.3); c.2307+1G>A (NM_001281302.2).
Identifiers: ClinVar variation 1440709 (VCV001440709.8), dbSNP rs749490366, ClinGen allele CA3306335.
Genomic context (GRCh38, chr5:74,722,378, plus strand): 5'-TTGGCATATAATATCCCCTGAATTAAGAAGAATATGTACTTTTCAGTTACAAAGTACCTA[C>T]CATAATTTCTGCTAAGGGAACAAATCCAATAACAACTTTGTTGTCCTGGCGAGTCTGAAT-3'

ClinVar aggregate classification (germline): Uncertain significance (1 of 4 stars; one submission).

Allele frequency attached by ClinVar (database versions not stated): gnomAD exomes 0.00001 and 0.00002; ExAC 0.00002.
gnomAD v4.1: 20 of 1,612,248 alleles (0.0012%); highest among the groups gnomAD compares: South Asian, 0.021%; no homozygotes.

Submission:

Labcorp Genetics (formerly Invitae), Labcorp
Classification: Uncertain significance. Last evaluated: 2025-04-07. Review status: criteria provided, single submitter. Criteria: Invitae Variant Classification Sherloc (09022015). Collection method: clinical testing. Allele origin: germline.
Comment: This sequence change falls in intron 20 of the GFM2 gene. It does not directly change the encoded amino acid sequence of the GFM2 protein. It affects a nucleotide within the consensus splice site. This variant is present in population databases (rs749490366, gnomAD 0.02%). This variant has not been reported in the literature in individuals affected with GFM2-related conditions. ClinVar contains an entry for this variant (Variation ID: 1440709). Variants that disrupt the consensus splice site are a relatively common cause of aberrant splicing (PMID: 17576681, 9536098). Algorithms developed to predict the effect of sequence changes on RNA splicing suggest that this variant may disrupt the consensus splice site. In summary, the available evidence is currently insufficient to determine the role of this variant in disease. Therefore, it has been classified as a Variant of Uncertain Significance.

Literature cited by the submitters: PubMed 17576681; PubMed 9536098.